The following is an entry in ClinVar:

ClinVar aggregate classification (germline): Benign. Review status: criteria provided, multiple submitters, no conflicts (2 of 4 stars). 5 submissions from 5 submitters: Benign (5). Last evaluated 2026-02-04.

Submissions (5):

Labcorp Genetics (formerly Invitae), Labcorp
Classification: Benign. Last evaluated: 2026-02-04. Review status: criteria provided, single submitter. Criteria: Invitae Variant Classification Sherloc (09022015). Collection method: clinical testing. Allele origin: germline.

Mayo Clinic Laboratories, Mayo Clinic
Classification: Benign. Last evaluated: 2024-05-30. Review status: criteria provided, single submitter. Criteria: ACMG Guidelines, 2015. Collection method: clinical testing. Allele origin: germline. Observed: 3 variant alleles.
Comment: BS1, BS2, BP4, BP7

Genomic Diagnostic Laboratory, Division of Genomic Diagnostics, Children's Hospital of Philadelphia
Classification: Benign. Last evaluated: 2015-09-18. Review status: criteria provided, single submitter. Criteria: DGD Variant Analysis Guidelines. Collection method: clinical testing. Allele origin: unknown.

Eurofins Ntd Llc (ga)
Classification: Benign. Last evaluated: 2014-10-03. Review status: criteria provided, single submitter. Criteria: EGL Classification Definitions 2015. Collection method: clinical testing. Allele origin: germline. Observed: 1 variant allele, 1 heterozygote.

PreventionGenetics, part of Exact Sciences
Classification: Benign. Review status: criteria provided, single submitter. Criteria: ACMG Guidelines, 2015. Collection method: clinical testing. Allele origin: germline.

Literature cited by the submitters: PubMed 23790953 (cited by Mayo Clinic Laboratories, Mayo Clinic); PubMed 9071481 (cited by Mayo Clinic Laboratories, Mayo Clinic).

NM_000660.7(TGFB1):c.713-8del

Gene: TGFB1 (transforming growth factor beta 1; minus strand). Cytogenetic location: 19q13.2.
Variant type: Deletion.
Coding change: c.713-8del on transcript NM_000660.7 (MANE Select); 8 bases into the intron before coding-DNA position 713, one base deleted (C; older notation c.713-8delC).
Molecular consequence: intron variant.
Genome position (GRCh38, 1-based): chr19:41,342,038, G deleted on the plus strand (C on the coding strand, the reverse complement: TGFB1 is on the minus strand); the first of 2 consecutive G bases (chr19:41,342,038-41,342,039); deleting either gives the same sequence. VCF-style (leftmost placement, unchanged base first): chr19-41342037-TG-T. GRCh37 (hg19) VCF-style: chr19-41847942-TG-T.
Other names: p.?; c.713-8delC (NM_000660.5, NM_000660.4).
Identifiers: ClinVar variation 197687 (VCV000197687.16), dbSNP rs55659002, ClinGen allele CA203025.